The following is an entry in ClinVar:

NM_020964.3(EPG5):c.4083C>G (p.Asp1361Glu)

Gene: EPG5 (ectopic P-granules 5 autophagy tethering factor; minus strand). Cytogenetic location: 18q21.1.
Variant type: single nucleotide variant.
Coding change: c.4083C>G on transcript NM_020964.3 (MANE Select); coding-DNA position 4083, C replaced by G.
Protein change: p.Asp1361Glu; replaces aspartic acid 1361 with glutamic acid.
Molecular consequence: missense variant.
Genome position (GRCh38, 1-based): chr18:45,910,643, G>C on the plus strand (C>G on the coding strand, the complement: EPG5 is on the minus strand). VCF-style: chr18-45910643-G-C. GRCh37 (hg19) VCF-style: chr18-43490608-G-C.
Other names: short protein forms D1361E.
Identifiers: ClinVar variation 1380275 (VCV001380275.7), dbSNP rs2145666399, ClinGen allele CA402340111.

ClinVar aggregate classification (germline): Uncertain significance (1 of 4 stars; one submission).

Conditions:
Vici syndrome (VICIS). Identifiers: Orphanet 1493, MedGen C1855772, MONDO:0009452, OMIM 242840.

Submission:

Labcorp Genetics (formerly Invitae), Labcorp
Classification: Uncertain significance for Vici syndrome. Last evaluated: 2021-09-09. Review status: criteria provided, single submitter. Criteria: Invitae Variant Classification Sherloc (09022015). Collection method: clinical testing. Allele origin: germline.
Comment: This sequence change replaces aspartic acid with glutamic acid at codon 1361 of the EPG5 protein (p.Asp1361Glu). The aspartic acid residue is moderately conserved and there is a small physicochemical difference between aspartic acid and glutamic acid. This variant is not present in population databases (ExAC no frequency). This variant has not been reported in the literature in individuals affected with EPG5-related conditions. Algorithms developed to predict the effect of missense changes on protein structure and function are either unavailable or do not agree on the potential impact of this missense change (SIFT: "Tolerated"; PolyPhen-2: "Probably Damaging"; Align-GVGD: "Class C0"). In summary, the available evidence is currently insufficient to determine the role of this variant in disease. Therefore, it has been classified as a Variant of Uncertain Significance.